The following is an entry in ClinVar:

NM_007255.3(B4GALT7):c.454A>G (p.Ser152Gly)

Gene: B4GALT7 (beta-1,4-galactosyltransferase 7; plus strand). Cytogenetic location: 5q35.3.
Variant type: single nucleotide variant.
Coding change: c.454A>G on transcript NM_007255.3 (MANE Select); coding-DNA position 454, A replaced by G.
Protein change: p.Ser152Gly; replaces serine 152 with glycine.
Molecular consequence: missense variant.
Genome position (GRCh38, 1-based): chr5:177,607,342, A>G. VCF-style: chr5-177607342-A-G. GRCh37 (hg19) VCF-style: chr5-177034343-A-G.
Other names: short protein forms S152G.
Identifiers: ClinVar variation 2504808 (VCV002504808.1), dbSNP rs373861088, ClinGen allele CA3586503.

ClinVar aggregate classification (germline): Uncertain significance (1 of 4 stars; one submission).

Allele frequency attached by ClinVar (database versions not stated): ExAC 0.00001; gnomAD exomes 0.00001; gnomAD 0.00002; TOPMed 0.00005; ESP Exome Variant Server 0.00008.

Submission:

GeneDx
Classification: Uncertain significance. Last evaluated: 2022-12-08. Review status: criteria provided, single submitter. Criteria: GeneDx Variant Classification Process June 2021. Collection method: clinical testing. Allele origin: germline. Affected: yes.
Comment: Not observed at significant frequency in large population cohorts (gnomAD); In silico analysis supports that this missense variant has a deleterious effect on protein structure/function; Has not been previously published as pathogenic or benign to our knowledge